The following is an entry in ClinVar:

NM_001330700.2(TOP2B):c.1641A>T (p.Glu547Asp)

Gene: TOP2B (DNA topoisomerase II beta; minus strand). Cytogenetic location: 3p24.2.
Variant type: single nucleotide variant.
Coding change: c.1641A>T on transcript NM_001330700.2 (MANE Select); coding-DNA position 1641, A replaced by T.
Protein change: p.Glu547Asp; replaces glutamic acid 547 with aspartic acid.
Molecular consequence: missense variant.
Genome position (GRCh38, 1-based): chr3:25,630,077, T>A on the plus strand (A>T on the coding strand, the complement: TOP2B is on the minus strand). VCF-style: chr3-25630077-T-A. GRCh37 (hg19) VCF-style: chr3-25671568-T-A.
Other names: c.1626A>T, p.Glu542Asp (NM_001068.3); short protein forms E542D, E547D.
Identifiers: ClinVar variation 1015951 (VCV001015951.5), dbSNP rs760747357, ClinGen allele CA2288660.

ClinVar aggregate classification (germline): Uncertain significance (1 of 4 stars; one submission).

Allele frequency attached by ClinVar (database versions not stated): gnomAD 0.00001; ExAC 0.00002; gnomAD exomes 0.00002; TOPMed 0.00003.
gnomAD v4.1: 13 of 1,608,566 alleles (0.00081%); highest among the groups gnomAD compares: Middle Eastern, 0.017%; no homozygotes.

Submission:

Labcorp Genetics (formerly Invitae), Labcorp
Classification: Uncertain significance. Last evaluated: 2025-10-15. Review status: criteria provided, single submitter. Criteria: Invitae Variant Classification Sherloc (09022015). Collection method: clinical testing. Allele origin: germline.
Comment: This sequence change replaces glutamic acid, which is acidic and polar, with aspartic acid, which is acidic and polar, at codon 542 of the TOP2B protein (p.Glu542Asp). This variant is present in population databases (rs760747357, gnomAD 0.02%). This variant has not been reported in the literature in individuals affected with TOP2B-related conditions. ClinVar contains an entry for this variant (Variation ID: 1015951). An algorithm developed to predict the effect of missense changes on protein structure and function (PolyPhen-2) suggests that this variant is likely to be tolerated. In summary, the available evidence is currently insufficient to determine the role of this variant in disease. Therefore, it has been classified as a Variant of Uncertain Significance.